The following is an entry in ClinVar:

NM_000455.5(STK11):c.712A>G (p.Ile238Val)

Gene: STK11 (serine/threonine kinase 11; plus strand). Cytogenetic location: 19p13.3.
Variant type: single nucleotide variant.
Coding change: c.712A>G on transcript NM_000455.5 (MANE Select); coding-DNA position 712, A replaced by G.
Protein change: p.Ile238Val; replaces isoleucine 238 with valine.
Molecular consequence: missense variant.
Genome position (GRCh38, 1-based): chr19:1,220,695, A>G. VCF-style: chr19-1220695-A-G. GRCh37 (hg19) VCF-style: chr19-1220694-A-G.
Other names: c.712A>G, p.Ile238Val (NM_001407255.1); short protein forms I238V.
Identifiers: ClinVar variation 1757293 (VCV001757293.5), dbSNP rs2080777009, ClinGen allele CA402949913.

ClinVar aggregate classification (germline): Uncertain significance. Review status: criteria provided, multiple submitters, no conflicts (2 of 4 stars). 3 submissions from 3 submitters: Uncertain significance (3). Last evaluated 2025-04-24.

Conditions:
Hereditary cancer-predisposing syndrome. Also called: Neoplastic Syndromes, Hereditary; Tumor predisposition; Hereditary neoplastic syndrome; Hereditary Cancer Syndrome. Identifiers: Orphanet 140162, MedGen C0027672, MeSH D009386, MONDO:0015356.
Melanoma, cutaneous malignant, susceptibility to, 1 (CMM1). Also called: MELANOMA, MALIGNANT; DYSPLASTIC NEVUS SYNDROME, HEREDITARY; FAMILIAL ATYPICAL MOLE-MALIGNANT MELANOMA SYNDROME; B-K MOLE SYNDROME. Identifiers: Orphanet 618, MedGen C1835047, MONDO:0007963, OMIM 155600.
Peutz-Jeghers syndrome (PJS). Also called: POLYPOSIS, HAMARTOMATOUS INTESTINAL; POLYPS-AND-SPOTS SYNDROME; Peutz-Jeghers polyposis; Periorificial lentiginosis syndrome. Identifiers: Orphanet 2869, MedGen C0031269, MeSH D010580, MONDO:0008280, OMIM 175200.
Germ cell tumor of testis (TGCT). Also called: GERM CELL TUMOR, SOMATIC; Testicular germ cell tumor. Identifiers: Orphanet 363504, MedGen C1336708, MONDO:0010108, OMIM 273300.
Familial pancreatic carcinoma. Identifiers: Orphanet 1333, MedGen C2931038, MONDO:0015278, OMIM 260350.

Allele frequency attached by ClinVar (database versions not stated): gnomAD exomes below 0.00001.
gnomAD v4.1: 2 of 1,610,262 alleles (0.00012%); highest among the groups gnomAD compares: Non-Finnish European, 0.000085%; no homozygotes.

Submissions (3):

Ambry Genetics
Classification: Uncertain significance for Hereditary cancer-predisposing syndrome. Last evaluated: 2025-04-24. Review status: criteria provided, single submitter. Criteria: Ambry Variant Classification Scheme 2023. Collection method: clinical testing. Allele origin: germline.
Comment: The p.I238V variant (also known as c.712A>G), located in coding exon 5 of the STK11 gene, results from an A to G substitution at nucleotide position 712. The isoleucine at codon 238 is replaced by valine, an amino acid with highly similar properties. This amino acid position is conserved. In addition, the in silico prediction for this alteration is inconclusive. Since supporting evidence is limited at this time, the clinical significance of this alteration remains unclear.

Baylor Genetics
Classification: Uncertain significance for Melanoma, cutaneous malignant, susceptibility to, 1. Last evaluated: 2023-09-27. Review status: criteria provided, single submitter. Criteria: ACMG Guidelines, 2015. Collection method: clinical testing. Allele origin: unknown.

Department of Pathology and Laboratory Medicine, Sinai Health System
Classification: Uncertain significance for Melanoma, cutaneous malignant, susceptibility to, 1; Peutz-Jeghers syndrome; Familial pancreatic carcinoma; Germ cell tumor of testis. Last evaluated: 2023-09-25. Review status: criteria provided, single submitter. Criteria: ACMG Guidelines, 2015. Collection method: clinical testing. Allele origin: germline. Affected: no.